The following is an entry in ClinVar:

NM_018406.7(MUC4):c.2055C>T (p.Asp685=)

Gene: MUC4 (mucin 4, cell surface associated). Cytogenetic location: 3q29.
Variant type: single nucleotide variant.
Coding change: c.2055C>T on transcript NM_018406.7 (MANE Select); coding-DNA position 2055, C replaced by T.
Protein change: p.Asp685=; no amino-acid change (aspartic acid 685 retained).
Molecular consequence: synonymous variant. On other transcripts: genic upstream transcript variant (2).
Genome position (GRCh38, 1-based): chr3:195,789,525, G>A on the plus strand (C>T on the coding strand, the complement: MUC4 is on the minus strand). VCF-style: chr3-195789525-G-A. GRCh37 (hg19) VCF-style: chr3-195516396-G-A.
Other names: c.2070C>T, p.Asp690= (NM_001322468.1); c.83-15220C>T (NM_138297.5); c.83-11070C>T (NM_004532.6).
Identifiers: ClinVar variation 2654491 (VCV002654491.24), dbSNP rs200175860, ClinGen allele CA2775178.

ClinVar aggregate classification (germline): Likely benign (1 of 4 stars; one submission).

Allele frequency attached by ClinVar (database versions not stated): 1000 Genomes Project 30x 0.00031; ESP Exome Variant Server 0.00055; TOPMed 0.00059; ExAC 0.00066; gnomAD 0.00069.
gnomAD v4.1: 1,825 of 1,613,928 alleles (0.11%); highest among the groups gnomAD compares: Non-Finnish European, 0.15%; no homozygotes.

Submission:

CeGaT Center for Human Genetics Tuebingen
Classification: Likely benign. Last evaluated: 2023-04-01. Review status: criteria provided, single submitter. Criteria: CeGaT Center For Human Genetics Tuebingen Variant Classification Criteria Version 2. Collection method: clinical testing. Allele origin: germline. Affected: yes. Observed: 1 variant allele.
Comment: MUC4: BP4, BP7